The following is an entry in ClinVar:

NM_000489.6(ATRX):c.1648A>G (p.Ser550Gly)

Gene: ATRX (ATRX chromatin remodeler; minus strand). Cytogenetic location: Xq21.1.
Variant type: single nucleotide variant.
Coding change: c.1648A>G on transcript NM_000489.6 (MANE Select); coding-DNA position 1648, A replaced by G.
Protein change: p.Ser550Gly; replaces serine 550 with glycine.
Molecular consequence: missense variant.
Genome position (GRCh38, 1-based): chrX:77,683,608, T>C on the plus strand (A>G on the coding strand, the complement: ATRX is on the minus strand). VCF-style: chrX-77683608-T-C. GRCh37 (hg19) VCF-style: chrX-76939100-T-C.
Other names: c.1534A>G, p.Ser512Gly (NM_138270.5); c.1648A>G (NM_000489.4); short protein forms S512G, S550G.
Identifiers: ClinVar variation 982814 (VCV000982814.16), dbSNP rs201284965, ClinGen allele CA10458173.

ClinVar aggregate classification (germline): Conflicting classifications of pathogenicity. Review status: criteria provided, conflicting classifications (1 of 4 stars). 6 submissions from 6 submitters: Uncertain significance (1); Benign (2); Likely benign (3). Last evaluated 2025-12-16.

Conditions:
ATRX-related disorder. Also called: ATRX-related condition.
Alpha thalassemia-X-linked intellectual disability syndrome (ATRX). Also called: ALPHA-THALASSEMIA/MENTAL RETARDATION SYNDROME, X-LINKED; ATR, NONDELETION TYPE; ATR-X syndrome; Alpha thalassemia mental retardation syndrome, nondeletion type, X-linked; XLMR hypotonic face syndrome; X-linked alpha-thalassemia-mental retardation syndrome. Identifiers: Orphanet 847, MedGen C1845055, MONDO:0010519, OMIM 301040.
Inborn genetic diseases. Identifiers: MedGen C0950123, MeSH D030342.

Allele frequency attached by ClinVar (database versions not stated): TOPMed 0.00005; gnomAD exomes 0.00014 and 0.00022; gnomAD 0.00015; 1000 Genomes Project 30x 0.00021; ESP Exome Variant Server 0.00009; ExAC 0.00025; 1000 Genomes Project 0.00026.
gnomAD v4.1: 178 of 1,210,256 alleles (0.015%); highest among the groups gnomAD compares: Non-Finnish European, 0.0084%; no homozygotes.

Submissions (6):

Labcorp Genetics (formerly Invitae), Labcorp
Classification: Benign for Alpha thalassemia-X-linked intellectual disability syndrome. Last evaluated: 2025-12-16. Review status: criteria provided, single submitter. Criteria: Invitae Variant Classification Sherloc (09022015). Collection method: clinical testing. Allele origin: germline.

PreventionGenetics, part of Exact Sciences
Classification: Likely benign for ATRX-related condition. Last evaluated: 2025-05-15. Review status: criteria provided, single submitter. Criteria: ACMG Guidelines, 2015. Collection method: clinical testing. Allele origin: germline.
Comment: This variant is classified as likely benign based on ACMG/AMP sequence variant interpretation guidelines (Richards et al. 2015 PMID: 25741868, with internal and published modifications).

Laboratory of Genetics, Children's Clinical University Hospital Latvia
Classification: Likely benign. Last evaluated: 2025-02-16. Review status: criteria provided, single submitter. Criteria: ACMG Guidelines, 2015. Collection method: clinical testing. Allele origin: germline. Affected: yes.

Blueprint Genetics
Classification: Likely benign. Last evaluated: 2024-11-07. Review status: criteria provided, single submitter. Criteria: ACMG Guidelines, 2015. Collection method: clinical testing. Allele origin: germline.

Ambry Genetics
Classification: Benign for Inborn genetic diseases. Last evaluated: 2019-05-23. Review status: criteria provided, single submitter. Criteria: Ambry Variant Classification Scheme 2023. Collection method: clinical testing. Allele origin: germline.

Institute of Human Genetics, University of Leipzig Medical Center
Classification: Uncertain significance for Alpha thalassemia-X-linked intellectual disability syndrome. Last evaluated: 2019-01-01. Review status: criteria provided, single submitter. Criteria: ACMG Guidelines, 2015. Collection method: clinical testing. Allele origin: unknown. Affected: yes.